The following is an entry in ClinVar:

ClinVar aggregate classification (germline): Uncertain significance (1 of 4 stars; one submission).

Conditions:
Cardiovascular phenotype. Identifiers: MedGen CN230736.

gnomAD v4.1: 1 of 1,614,024 alleles (0.000062%); highest among the groups gnomAD compares: Non-Finnish European, 0.000085%; no homozygotes.

Submission:

Ambry Genetics
Classification: Uncertain significance for Cardiovascular phenotype. Last evaluated: 2025-03-25. Review status: criteria provided, single submitter. Criteria: Ambry Variant Classification Scheme 2023. Collection method: clinical testing. Allele origin: germline.
Comment: The p.P477S variant (also known as c.1429C>T), located in coding exon 10 of the SCN10A gene, results from a C to T substitution at nucleotide position 1429. The proline at codon 477 is replaced by serine, an amino acid with similar properties. This amino acid position is conserved. In addition, this alteration is predicted to be tolerated by in silico analysis. Based on the available evidence, the clinical significance of this variant remains unclear.

NM_006514.4(SCN10A):c.1429C>T (p.Pro477Ser)

Gene: SCN10A (sodium voltage-gated channel alpha subunit 10; minus strand). Cytogenetic location: 3p22.2.
Variant type: single nucleotide variant.
Coding change: c.1429C>T on transcript NM_006514.4 (MANE Select); coding-DNA position 1429, C replaced by T.
Protein change: p.Pro477Ser; replaces proline 477 with serine.
Molecular consequence: missense variant.
Genome position (GRCh38, 1-based): chr3:38,755,820, G>A on the plus strand (C>T on the coding strand, the complement: SCN10A is on the minus strand). VCF-style: chr3-38755820-G-A. GRCh37 (hg19) VCF-style: chr3-38797311-G-A.
Other names: c.1429C>T, p.Pro477Ser (NM_001293306.2, NM_001293307.2); short protein forms P477S.
Identifiers: ClinVar variation 3950853 (VCV003950853.1).
Genomic context (GRCh38, chr3:38,755,820, plus strand): 5'-CTTTAGAGCACAAACCTGAGCCTCTTACCATCCTGCGCTGGTTGTAAGGATCAGAGCGGG[G>A]TGATTTGTTGTCTTCTGTGGAGCCCTCTGACACTCTTGGCTTTATTCTATGCCTTCTCTC-3'
Protein context (NP_006505.4, residues 467-487): SEGSTEDNKS[Pro477Ser]RSDPYNQRRM